The following is an entry in ClinVar:

ClinVar aggregate classification (germline): Uncertain significance (1 of 4 stars; one submission).

Conditions:
Retinoblastoma (RB1). Also called: RETINOBLASTOMA, SOMATIC. Identifiers: Orphanet 790, MedGen C0035335, MeSH D012175, MONDO:0008380, OMIM 180200, HP:0009919. Disease mechanism: loss of function. Inheritance: Both sporadic and heritable forms are tested..

gnomAD v4.1: 2 of 1,493,806 alleles (0.00013%); highest among the groups gnomAD compares: Admixed American, 0.0022%; no homozygotes.

Submission:

Labcorp Genetics (formerly Invitae), Labcorp
Classification: Uncertain significance for Retinoblastoma. Last evaluated: 2025-07-20. Review status: criteria provided, single submitter. Criteria: Invitae Variant Classification Sherloc (09022015). Collection method: clinical testing. Allele origin: germline.
Comment: This variant occurs in a non-coding region of the RB1 gene. It does not change the encoded amino acid sequence of the RB1 protein. This variant is not present in population databases (gnomAD no frequency). This variant has not been reported in the literature in individuals affected with RB1-related conditions. In summary, the available evidence is currently insufficient to determine the role of this variant in disease. Therefore, it has been classified as a Variant of Uncertain Significance.

NM_000321.3(RB1):c.-74G>A

Gene: RB1 (RB transcriptional corepressor 1; plus strand). Cytogenetic location: 13q14.2.
Variant type: single nucleotide variant.
Coding change: c.-74G>A on transcript NM_000321.3 (MANE Select); 74 bases upstream of the start codon, G replaced by A.
Molecular consequence: 5 prime UTR variant.
Genome position (GRCh38, 1-based): chr13:48,303,839, G>A. VCF-style: chr13-48303839-G-A. GRCh37 (hg19) VCF-style: chr13-48877975-G-A.
Other names: c.-74G>A (NM_001407165.1, NM_001407166.1, NM_001407167.1).
Identifiers: ClinVar variation 4812071 (VCV004812071.1).